The following is an entry in ClinVar:

ClinVar aggregate classification (germline): Uncertain significance. Review status: criteria provided, multiple submitters, no conflicts (2 of 4 stars). 2 submissions from 2 submitters: Uncertain significance (2). Last evaluated 2025-02-23.

Conditions:
Hypertrophic cardiomyopathy 10. Also called: CARDIOMYOPATHY, HYPERTROPHIC, MID-LEFT VENTRICULAR CHAMBER TYPE, 2; MYL2-Related Familial Hypertrophic Cardiomyopathy. Identifiers: MedGen C1834460, MONDO:0012112, OMIM 608758.

Submissions (2):

Labcorp Genetics (formerly Invitae), Labcorp
Classification: Uncertain significance for Hypertrophic cardiomyopathy 10. Last evaluated: 2025-02-23. Review status: criteria provided, single submitter. Criteria: Invitae Variant Classification Sherloc (09022015). Collection method: clinical testing. Allele origin: germline.
Comment: This sequence change replaces tyrosine, which is neutral and polar, with cysteine, which is neutral and slightly polar, at codon 118 of the MYL2 protein (p.Tyr118Cys). This variant is not present in population databases (gnomAD no frequency). This variant has not been reported in the literature in individuals affected with MYL2-related conditions. An algorithm developed to predict the effect of missense changes on protein structure and function (PolyPhen-2) suggests that this variant is likely to be disruptive. In summary, the available evidence is currently insufficient to determine the role of this variant in disease. Therefore, it has been classified as a Variant of Uncertain Significance.

Blueprint Genetics
Classification: Uncertain significance. Last evaluated: 2024-01-04. Review status: criteria provided, single submitter. Criteria: ACMG Guidelines, 2015. Collection method: clinical testing. Allele origin: germline.

NM_000432.4(MYL2):c.353A>G (p.Tyr118Cys)

Gene: MYL2 (myosin light chain 2; minus strand). Cytogenetic location: 12q24.11.
Variant type: single nucleotide variant.
Coding change: c.353A>G on transcript NM_000432.4 (MANE Select); coding-DNA position 353, A replaced by G.
Protein change: p.Tyr118Cys; replaces tyrosine 118 with cysteine.
Molecular consequence: missense variant.
Genome position (GRCh38, 1-based): chr12:110,913,246, T>C on the plus strand (A>G on the coding strand, the complement: MYL2 is on the minus strand). VCF-style: chr12-110913246-T-C. GRCh37 (hg19) VCF-style: chr12-111351050-T-C.
Other names: c.311A>G, p.Tyr104Cys (NM_001406745.1); c.296A>G, p.Tyr99Cys (NM_001406916.1); short protein forms Y118C, Y99C, Y104C.
Identifiers: ClinVar variation 4737957 (VCV004737957.2).